The following is an entry in ClinVar:

NM_001005373.4(LRSAM1):c.569G>A (p.Arg190Gln)

Gene: LRSAM1 (leucine rich repeat and sterile alpha motif containing 1; plus strand). Cytogenetic location: 9q33.3.
Variant type: single nucleotide variant.
Coding change: c.569G>A on transcript NM_001005373.4 (MANE Select); coding-DNA position 569, G replaced by A.
Protein change: p.Arg190Gln; replaces arginine 190 with glutamine.
Molecular consequence: missense variant. On other transcripts: 5 prime UTR variant (1), non-coding transcript variant (2).
Genome position (GRCh38, 1-based): chr9:127,467,780, G>A. VCF-style: chr9-127467780-G-A. GRCh37 (hg19) VCF-style: chr9-130230059-G-A.
Other names: c.569G>A (NM_138361.4); c.569G>A, p.Arg190Gln (NM_001005374.4, NM_001190723.3, NM_001384142.1 and 2 more transcripts); c.-216G>A (NM_001384144.1); short protein forms R190Q.
Identifiers: ClinVar variation 234876 (VCV000234876.45), dbSNP rs142782210, ClinGen allele CA5246602.
Genomic context (GRCh38, chr9:127,467,780, plus strand): 5'-GGTTACCCTTGTGTCTGCAGATGCTGAGCCTTGACGCCTCGGCCATGGTCTACCCGCCGC[G>A]GGAGGTGTGTGGTGCCGGCACTGCGGCCATCTTGCAGTTCCTCTGCAAAGGTAAAGCCAG-3'
Protein context (NP_001005373.1, residues 180-200): LDASAMVYPP[Arg190Gln]EVCGAGTAAI

ClinVar aggregate classification (germline): Benign/Likely benign. Review status: criteria provided, multiple submitters, no conflicts (2 of 4 stars). 7 submissions from 7 submitters: Benign (1); Likely benign (6). Last evaluated 2026-04-09.

Conditions:
LRSAM1-related disorder. Also called: LRSAM1-related condition.
Inborn genetic diseases. Identifiers: MedGen C0950123, MeSH D030342.
Charcot-Marie-Tooth disease axonal type 2P. Also called: Charcot-Marie-Tooth Neuropathy Type 2G; CHARCOT-MARIE-TOOTH NEUROPATHY, TYPE 2P; CHARCOT-MARIE-TOOTH DISEASE, AXONAL, TYPE 2G; CMT 2G. Identifiers: Orphanet 300319, Orphanet 99941, MedGen C3280797, MONDO:0013753, OMIM 614436.

Allele frequency attached by ClinVar (database versions not stated): gnomAD exomes 0.00011 and 0.00027; gnomAD 0.00020 and 0.00021; TOPMed 0.00020; ExAC 0.00022; ESP Exome Variant Server 0.00031.
gnomAD v4.1: 202 of 1,610,580 alleles (0.013%); highest among the groups gnomAD compares: African/African-American, 0.011%; 2 homozygotes.

Submissions (7):

PreventionGenetics, part of Exact Sciences
Classification: Likely benign for LRSAM1-related condition. Last evaluated: 2026-04-09. Review status: criteria provided, single submitter. Criteria: ACMG Guidelines, 2015. Collection method: clinical testing. Allele origin: germline.
Comment: This variant is classified as likely benign based on ACMG/AMP sequence variant interpretation guidelines (Richards et al. 2015 PMID: 25741868, with internal and published modifications).

Labcorp Genetics (formerly Invitae), Labcorp
Classification: Benign for Charcot-Marie-Tooth disease axonal type 2P. Last evaluated: 2025-10-21. Review status: criteria provided, single submitter. Criteria: Invitae Variant Classification Sherloc (09022015). Collection method: clinical testing. Allele origin: germline.

CeGaT Center for Human Genetics Tuebingen
Classification: Likely benign. Last evaluated: 2023-09-01. Review status: criteria provided, single submitter. Criteria: CeGaT Center For Human Genetics Tuebingen Variant Classification Criteria Version 2. Collection method: clinical testing. Allele origin: germline. Affected: yes. Observed: 1 variant allele.
Comment: LRSAM1: BP4

Ambry Genetics
Classification: Likely benign for Inborn genetic diseases. Last evaluated: 2022-02-26. Review status: criteria provided, single submitter. Criteria: Ambry Variant Classification Scheme 2023. Collection method: clinical testing. Allele origin: germline.

GeneDx
Classification: Likely benign. Last evaluated: 2018-04-05. Review status: criteria provided, single submitter. Criteria: GeneDx Variant Classification Process June 2021. Collection method: clinical testing. Allele origin: germline. Affected: yes.

Illumina Laboratory Services, Illumina
Classification: Likely benign for Charcot-Marie-Tooth disease axonal type 2P. Last evaluated: 2018-01-12. Review status: criteria provided, single submitter. Criteria: ICSL Variant Classification Criteria 13 December 2019. Collection method: clinical testing. Allele origin: germline.
Comment: This variant was observed in the ICSL laboratory as part of a predisposition screen in an ostensibly healthy population. It had not been previously curated by ICSL or reported in the Human Gene Mutation Database (HGMD: prior to June 1st, 2018), and was therefore a candidate for classification through an automated scoring system. Utilizing variant allele frequency, disease prevalence and penetrance estimates, and inheritance mode, an automated score was calculated to assess if this variant is too frequent to cause the disease. Based on the score and internal cut-off values, a variant classified as likely benign is not then subjected to further curation. The score for this variant resulted in a classification of likely benign for this disease.

Breakthrough Genomics
Classification: Likely benign. Review status: criteria provided, single submitter. Criteria: ACMG Guidelines, 2015. Collection method: not provided. Allele origin: germline. Inheritance: Autosomal dominant inheritance. Affected: yes.